The following is an entry in ClinVar:

NM_003106.4(SOX2):c.591G>A (p.Met197Ile)

Genes: SOX2 (SRY-box transcription factor 2; plus strand), SOX2-OT (SOX2 overlapping transcript; plus strand). Cytogenetic location: 3q26.33.
Variant type: single nucleotide variant.
Coding change: c.591G>A on transcript NM_003106.4 (MANE Select); coding-DNA position 591, G replaced by A.
Protein change: p.Met197Ile; replaces methionine 197 with isoleucine.
Molecular consequence: missense variant.
Genome position (GRCh38, 1-based): chr3:181,712,951, G>A. VCF-style: chr3-181712951-G-A. GRCh37 (hg19) VCF-style: chr3-181430739-G-A.
Other names: short protein forms M197I.
Identifiers: ClinVar variation 2726288 (VCV002726288.3), dbSNP rs2473719330, ClinGen allele CA355474215.

ClinVar aggregate classification (germline): Uncertain significance (1 of 4 stars; one submission).

Conditions:
Anophthalmia/microphthalmia-esophageal atresia syndrome (MCOPS3). Also called: AEG SYNDROME; SOX2 Disorder; MICROPHTHALMIA AND ESOPHAGEAL ATRESIA SYNDROME. Identifiers: Orphanet 77298, MedGen C1859773, MONDO:0008799, OMIM 206900.

Submission:

Labcorp Genetics (formerly Invitae), Labcorp
Classification: Uncertain significance for Anophthalmia/microphthalmia-esophageal atresia syndrome. Last evaluated: 2024-05-08. Review status: criteria provided, single submitter. Criteria: Invitae Variant Classification Sherloc (09022015). Collection method: clinical testing. Allele origin: germline.
Comment: This sequence change replaces methionine, which is neutral and non-polar, with isoleucine, which is neutral and non-polar, at codon 197 of the SOX2 protein (p.Met197Ile). This variant is not present in population databases (gnomAD no frequency). This variant has not been reported in the literature in individuals affected with SOX2-related conditions. Advanced modeling of protein sequence and biophysical properties (such as structural, functional, and spatial information, amino acid conservation, physicochemical variation, residue mobility, and thermodynamic stability) performed at Invitae indicates that this missense variant is not expected to disrupt SOX2 protein function with a negative predictive value of 80%. In summary, the available evidence is currently insufficient to determine the role of this variant in disease. Therefore, it has been classified as a Variant of Uncertain Significance.